The following is an entry in ClinVar:

NM_025114.4(CEP290):c.4102G>A (p.Asp1368Asn)

Gene: CEP290 (centrosomal protein 290; minus strand). Cytogenetic location: 12q21.32.
Variant type: single nucleotide variant.
Coding change: c.4102G>A on transcript NM_025114.4 (MANE Select); coding-DNA position 4102, G replaced by A.
Protein change: p.Asp1368Asn; replaces aspartic acid 1368 with asparagine.
Molecular consequence: missense variant.
Genome position (GRCh38, 1-based): chr12:88,087,872, C>T on the plus strand (G>A on the coding strand, the complement: CEP290 is on the minus strand). VCF-style: chr12-88087872-C-T. GRCh37 (hg19) VCF-style: chr12-88481649-C-T.
Other names: p.Asp1368Asn; short protein forms D1368N.
Identifiers: ClinVar variation 196795 (VCV000196795.47), dbSNP rs184143186, ClinGen allele CA244173.

ClinVar aggregate classification (germline): Conflicting classifications of pathogenicity. Review status: criteria provided, conflicting classifications (1 of 4 stars). 10 submissions from 10 submitters: Uncertain significance (2); Likely benign (6). 2 of the submissions do not count toward it. Last evaluated 2026-01-28.

Conditions:
Inborn genetic diseases. Identifiers: MedGen C0950123, MeSH D030342.
Joubert syndrome. Also called: Familial aplasia of the vermis; JOUBERT-BOLTSHAUSER SYNDROME. Identifiers: Orphanet 475, MedGen C5979921, MONDO:0018772.
Nephronophthisis. Also called: Juvenile Nephronophthisis. Identifiers: Orphanet 655, MedGen C0687120, MONDO:0019005, HP:0000090.
Meckel-Gruber syndrome. Also called: DYSENCEPHALIA SPLANCHNOCYSTICA; Dysencephalia splachnocystica; GRUBER SYNDROME. Identifiers: Orphanet 564, MedGen C0265215, MONDO:0018921.
Leber congenital amaurosis (LCA). Also called: Leber's amaurosis. Identifiers: Orphanet 65, MedGen C0339527, MeSH D057130, MONDO:0018998.

Allele frequency attached by ClinVar (database versions not stated): gnomAD exomes 0.00017; ExAC 0.00052; 1000 Genomes Project 0.00060; 1000 Genomes Project 30x 0.00078; ESP Exome Variant Server 0.00097; gnomAD 0.00125 and 0.00138; TOPMed 0.00158.
gnomAD v4.1: 330 of 1,239,458 alleles (0.027%); highest among the groups gnomAD compares: African/African-American, 0.47%; no homozygotes.

Submissions (10):

Labcorp Genetics (formerly Invitae), Labcorp
Classification: Likely benign for Joubert syndrome; Meckel-Gruber syndrome; Nephronophthisis. Last evaluated: 2026-01-28. Review status: criteria provided, single submitter. Criteria: Invitae Variant Classification Sherloc (09022015). Collection method: clinical testing. Allele origin: germline.

Mayo Clinic Laboratories, Mayo Clinic
Classification: Likely benign. Last evaluated: 2025-10-17. Review status: criteria provided, single submitter. Criteria: ACMG Guidelines, 2015. Collection method: clinical testing. Allele origin: germline. Observed: 1 variant allele.
Comment: BS1, BP4_moderate

CeGaT Center for Human Genetics Tuebingen
Classification: Likely benign. Last evaluated: 2025-10-01. Review status: criteria provided, single submitter. Criteria: CeGaT Center For Human Genetics Tuebingen Variant Classification Criteria Version 2. Collection method: clinical testing. Allele origin: germline. Affected: yes. Observed: 3 variant alleles.
Comment: CEP290: BS1

Ambry Genetics
Classification: Likely benign for Inborn genetic diseases. Last evaluated: 2024-12-02. Review status: criteria provided, single submitter. Criteria: Ambry Variant Classification Scheme 2023. Collection method: clinical testing. Allele origin: germline.

Blueprint Genetics
Classification: Likely benign. Last evaluated: 2024-07-30. Review status: criteria provided, single submitter. Criteria: ACMG Guidelines, 2015. Collection method: clinical testing. Allele origin: germline.

GeneDx
Classification: Likely benign. Last evaluated: 2021-01-07. Review status: criteria provided, single submitter. Criteria: GeneDx Variant Classification Process June 2021. Collection method: clinical testing. Allele origin: germline. Affected: yes.

Eurofins Ntd Llc (ga)
Classification: Uncertain significance. Last evaluated: 2017-07-25. Review status: criteria provided, single submitter. Criteria: EGL Classification Definitions 2015. Collection method: clinical testing. Allele origin: germline. Observed: 4 variant alleles, 4 heterozygotes.

Center for Pediatric Genomic Medicine, Children's Mercy Hospital and Clinics
Classification: Uncertain significance. Last evaluated: 2015-06-12. Review status: criteria provided, single submitter. Criteria: ACMG Guidelines, 2015. Collection method: clinical testing. Allele origin: germline.
ClinVar note: Converted during submission from Uncertain Significance to Uncertain significance.

Genetic Services Laboratory, University of Chicago
Classification: Uncertain significance. Last evaluated: 2022-05-10. Review status: no assertion criteria provided. Collection method: clinical testing. Allele origin: germline. Affected: no. Not counted in ClinVar's aggregate classification.
Comment: DNA sequence analysis of the CEP290 gene demonstrated a sequence change, c.4102G>A, in exon 32 that results in an amino acid change, p.Asp1368Asn. This sequence change has been described in the gnomAD database with a frequency of 0.54% in the African/African American subpopulation (dbSNP rs184143186). The p.Asp1368Asn change affects a poorly conserved amino acid residue located in a domain of the CEP290 protein that is not known to be functional. The p.Asp1368Asn substitution appears to be benign using several in-silico pathogenicity prediction tools (SIFT, PolyPhen2, Align GVGD, REVEL). This sequence change does not appear to have been previously described in individuals with CEP290-related disorders. Due to insufficient evidences and the lack of functional studies, the clinical significance of the p.Asp1368Asn change remains unknown at this time.

Natera, Inc.
Classification: Likely benign for Leber congenital amaurosis. Last evaluated: 2020-04-17. Review status: no assertion criteria provided. Collection method: clinical testing. Allele origin: germline. Not counted in ClinVar's aggregate classification.